The following is an entry in ClinVar:

NM_014249.4(NR2E3):c.1001G>C (p.Arg334Pro)

Gene: NR2E3 (nuclear receptor subfamily 2 group E member 3; plus strand). Cytogenetic location: 15q23.
Variant type: single nucleotide variant.
Coding change: c.1001G>C on transcript NM_014249.4 (MANE Select); coding-DNA position 1001, G replaced by C.
Protein change: p.Arg334Pro; replaces arginine 334 with proline.
Molecular consequence: missense variant.
Genome position (GRCh38, 1-based): chr15:71,814,018, G>C. VCF-style: chr15-71814018-G-C. GRCh37 (hg19) VCF-style: chr15-72106359-G-C.
Other names: c.1001G>C, p.Arg334Pro (NM_016346.4); short protein forms R334P.
Identifiers: ClinVar variation 1392184 (VCV001392184.6), dbSNP rs374483122, ClinGen allele CA393039094.
Genomic context (GRCh38, chr15:71,814,018, plus strand): 5'-GCCTTATAACAGCCGTAAACCTGTGCTAAGCTCACTGGTGCTGCTTCTCCCCAGAGACGC[G>C]GGGCCTGAAGGATCCTGAGCACGTAGAGGCCTTGCAGGACCAGTCCCAAGTGATGCTGAG-3'
Protein context (NP_055064.1, residues 324-344): KALVLFKPET[Arg334Pro]GLKDPEHVEA

ClinVar aggregate classification (germline): Uncertain significance (1 of 4 stars; one submission).

Submission:

Labcorp Genetics (formerly Invitae), Labcorp
Classification: Uncertain significance. Last evaluated: 2022-08-10. Review status: criteria provided, single submitter. Criteria: Invitae Variant Classification Sherloc (09022015). Collection method: clinical testing. Allele origin: germline.
Comment: In summary, the available evidence is currently insufficient to determine the role of this variant in disease. Therefore, it has been classified as a Variant of Uncertain Significance. Experimental studies and prediction algorithms are not available or were not evaluated, and the functional significance of this variant is currently unknown. ClinVar contains an entry for this variant (Variation ID: 1392184). This variant has not been reported in the literature in individuals affected with NR2E3-related conditions. This variant is not present in population databases (gnomAD no frequency). This sequence change replaces arginine, which is basic and polar, with proline, which is neutral and non-polar, at codon 334 of the NR2E3 protein (p.Arg334Pro).